The following is an entry in ClinVar:

ClinVar aggregate classification (germline): Likely benign (1 of 4 stars; one submission).

Submission:

CeGaT Center for Human Genetics Tuebingen
Classification: Likely benign. Last evaluated: 2025-06-01. Review status: criteria provided, single submitter. Criteria: CeGaT Center For Human Genetics Tuebingen Variant Classification Criteria Version 2. Collection method: clinical testing. Allele origin: germline. Affected: yes. Observed: 4 variant alleles.
Comment: DSPP: BP4, BP7

NM_014208.3(DSPP):c.3210T>C (p.Ser1070=)

Genes: DMP1-AS1 (DMP1 and DSPP antisense RNA 1; minus strand), DSPP (dentin sialophosphoprotein; plus strand). Cytogenetic location: 4q22.1.
Variant type: single nucleotide variant.
Coding change: c.3210T>C on transcript NM_014208.3 (MANE Select); coding-DNA position 3210, T replaced by C.
Protein change: p.Ser1070=; no amino-acid change (serine 1070 retained).
Molecular consequence: synonymous variant.
Genome position (GRCh38, 1-based): chr4:87,615,872, T>C. VCF-style: chr4-87615872-T-C. GRCh37 (hg19) VCF-style: chr4-88537024-T-C.
Identifiers: ClinVar variation 3025314 (VCV003025314.22), dbSNP rs878944356, ClinGen allele CA100856097.